The following is an entry in ClinVar:

NM_031935.3(HMCN1):c.8875A>C (p.Asn2959His)

Gene: HMCN1 (hemicentin 1; plus strand). Cytogenetic location: 1q31.1.
Variant type: single nucleotide variant.
Coding change: c.8875A>C on transcript NM_031935.3 (MANE Select); coding-DNA position 8875, A replaced by C.
Protein change: p.Asn2959His; replaces asparagine 2959 with histidine.
Molecular consequence: missense variant.
Genome position (GRCh38, 1-based): chr1:186,082,952, A>C. VCF-style: chr1-186082952-A-C. GRCh37 (hg19) VCF-style: chr1-186052084-A-C.
Other names: short protein forms N2959H.
Identifiers: ClinVar variation 1899244 (VCV001899244.5), dbSNP rs754635886, ClinGen allele CA1293241.
Genomic context (GRCh38, chr1:186,082,952, plus strand): 5'-GGCAGGTATGTGTGTGTTGCTGAGAACACAGCTGGGAGTGCCAAAAAATATTTTAACCTC[A>C]ATGTTCATGGTAAGAGCTCAGTTCCAAAACCATCTGTTAGGGTATGCTTGGAAAAGCAGA-3'
Protein context (NP_114141.2, residues 2949-2969): AGSAKKYFNL[Asn2959His]VHVPPSVIGP

ClinVar aggregate classification (germline): Uncertain significance (1 of 4 stars; one submission).

Allele frequency attached by ClinVar (database versions not stated): TOPMed below 0.00001; ExAC 0.00001; gnomAD exomes 0.00002.
gnomAD v4.1: 30 of 1,584,122 alleles (0.0019%); highest among the groups gnomAD compares: Non-Finnish European, 0.0026%; no homozygotes.

Submission:

Labcorp Genetics (formerly Invitae), Labcorp
Classification: Uncertain significance. Last evaluated: 2024-01-18. Review status: criteria provided, single submitter. Criteria: Invitae Variant Classification Sherloc (09022015). Collection method: clinical testing. Allele origin: germline.
Comment: This sequence change replaces asparagine, which is neutral and polar, with histidine, which is basic and polar, at codon 2959 of the HMCN1 protein (p.Asn2959His). This variant is present in population databases (rs754635886, gnomAD 0.0009%). This variant has not been reported in the literature in individuals affected with HMCN1-related conditions. ClinVar contains an entry for this variant (Variation ID: 1899244). An algorithm developed to predict the effect of missense changes on protein structure and function (PolyPhen-2) suggests that this variant is likely to be disruptive. In summary, the available evidence is currently insufficient to determine the role of this variant in disease. Therefore, it has been classified as a Variant of Uncertain Significance.